The following is an entry in ClinVar:

NM_000632.4(ITGAM):c.2548G>A (p.Ala850Thr)

Gene: ITGAM (integrin subunit alpha M; plus strand). Cytogenetic location: 16p11.2.
Variant type: single nucleotide variant.
Coding change: c.2548G>A on transcript NM_000632.4 (MANE Select); coding-DNA position 2548, G replaced by A.
Protein change: p.Ala850Thr; replaces alanine 850 with threonine.
Molecular consequence: missense variant.
Genome position (GRCh38, 1-based): chr16:31,325,542, G>A. VCF-style: chr16-31325542-G-A. GRCh37 (hg19) VCF-style: chr16-31336863-G-A.
Other names: c.2551G>A, p.Ala851Thr (NM_001145808.2); short protein forms A851T, A850T.
Identifiers: ClinVar variation 2753236 (VCV002753236.3), dbSNP rs2544498117, ClinGen allele CA395692208.

ClinVar aggregate classification (germline): Uncertain significance (1 of 4 stars; one submission).

Submission:

Labcorp Genetics (formerly Invitae), Labcorp
Classification: Uncertain significance. Last evaluated: 2023-10-22. Review status: criteria provided, single submitter. Criteria: Invitae Variant Classification Sherloc (09022015). Collection method: clinical testing. Allele origin: germline.
Comment: This sequence change replaces alanine, which is neutral and non-polar, with threonine, which is neutral and polar, at codon 850 of the ITGAM protein (p.Ala850Thr). This variant is not present in population databases (gnomAD no frequency). This variant has not been reported in the literature in individuals affected with ITGAM-related conditions. An algorithm developed to predict the effect of missense changes on protein structure and function (PolyPhen-2) suggests that this variant is likely to be tolerated. In summary, the available evidence is currently insufficient to determine the role of this variant in disease. Therefore, it has been classified as a Variant of Uncertain Significance.